The following is an entry in ClinVar:

ClinVar aggregate classification (germline): Uncertain significance (1 of 4 stars; one submission).

gnomAD v4.1: 1 of 1,614,058 alleles (0.000062%); highest among the groups gnomAD compares: Non-Finnish European, 0.000085%; no homozygotes.

Submission:

GeneDx
Classification: Uncertain significance. Last evaluated: 2023-05-22. Review status: criteria provided, single submitter. Criteria: GeneDx Variant Classification Process June 2021. Collection method: clinical testing. Allele origin: germline. Affected: yes.
Comment: Has not been previously published as pathogenic or benign to our knowledge; Not observed at significant frequency in large population cohorts (gnomAD); Not located in the triple helical region, where the majority of pathogenic missense variants occur (HGMD); In silico analysis supports that this missense variant does not alter protein structure/function

NM_001844.5(COL2A1):c.4093A>G (p.Asn1365Asp)

Gene: COL2A1 (collagen type II alpha 1 chain; minus strand). Cytogenetic location: 12q13.11.
Variant type: single nucleotide variant.
Coding change: c.4093A>G on transcript NM_001844.5 (MANE Select); coding-DNA position 4093, A replaced by G.
Protein change: p.Asn1365Asp; replaces asparagine 1365 with aspartic acid.
Molecular consequence: missense variant.
Genome position (GRCh38, 1-based): chr12:47,974,313, T>C on the plus strand (A>G on the coding strand, the complement: COL2A1 is on the minus strand). VCF-style: chr12-47974313-T-C. GRCh37 (hg19) VCF-style: chr12-48368096-T-C.
Other names: c.3886A>G, p.Asn1296Asp (NM_033150.3); short protein forms N1296D, N1365D.
Identifiers: ClinVar variation 3252422 (VCV003252422.1), dbSNP rs202105427.
Genomic context (GRCh38, chr12:47,974,313, plus strand): 5'-CTTCCGTGGACAGCAGGCGTAGGAAGGTCATCTGGACGTTGGCAGTGTTGGGAGCCAGAT[T>C]GTCATCTCCATAGCTGAACTGTTGGGGCAGAGAGCGGCAGTGTGAGGCCTGGGAGCTGGC-3'
Protein context (NP_001835.3, residues 1355-1375): GGFHFSYGDD[Asn1365Asp]LAPNTANVQM